The following is an entry in ClinVar:

NM_000152.5(GAA):c.821C>T (p.Thr274Ile)

Gene: GAA (alpha glucosidase; plus strand). Cytogenetic location: 17q25.3.
Variant type: single nucleotide variant.
Coding change: c.821C>T on transcript NM_000152.5 (MANE Select); coding-DNA position 821, C replaced by T.
Protein change: p.Thr274Ile; replaces threonine 274 with isoleucine.
Molecular consequence: missense variant.
Genome position (GRCh38, 1-based): chr17:80,107,685, C>T. VCF-style: chr17-80107685-C-T. GRCh37 (hg19) VCF-style: chr17-78081484-C-T.
Other names: c.821C>T, p.Thr274Ile (NM_001079803.3, NM_001079804.3, NM_001406741.1 and 1 more transcripts); short protein forms T274I.
Identifiers: ClinVar variation 2151343 (VCV002151343.1), dbSNP rs768488233, ClinGen allele CA8815022.

ClinVar aggregate classification (germline): Uncertain significance (1 of 4 stars; one submission).

Conditions:
Glycogen storage disease, type II (IOPD). Also called: Glucosidase acid-1,4-alpha deficiency; Deficiency of lysosomal alpha-glucosidase; Glycogen storage disease type 2; Acid maltase deficiency disease; Aglucosidase alfa; Deficiency of alpha-glucosidase. Identifiers: Orphanet 365, MedGen C0017921, MONDO:0009290, OMIM 232300.

Allele frequency attached by ClinVar (database versions not stated): gnomAD exomes 0.00001; ExAC 0.00002.
gnomAD v4.1: 16 of 1,612,892 alleles (0.00099%); highest among the groups gnomAD compares: Non-Finnish European, 0.0013%; no homozygotes.

Submission:

Labcorp Genetics (formerly Invitae), Labcorp
Classification: Uncertain significance for Glycogen storage disease, type II. Last evaluated: 2021-09-17. Review status: criteria provided, single submitter. Criteria: Invitae Variant Classification Sherloc (09022015). Collection method: clinical testing. Allele origin: germline.
Comment: This sequence change replaces threonine with isoleucine at codon 274 of the GAA protein (p.Thr274Ile). The threonine residue is moderately conserved and there is a moderate physicochemical difference between threonine and isoleucine. This variant is present in population databases (rs768488233, ExAC 0.003%). This variant has not been reported in the literature in individuals with GAA-related conditions. Algorithms developed to predict the effect of missense changes on protein structure and function are either unavailable or do not agree on the potential impact of this missense change (SIFT: "Tolerated"; PolyPhen-2: "Possibly Damaging"; Align-GVGD: "Class C0"). In summary, the available evidence is currently insufficient to determine the role of this variant in disease. Therefore, it has been classified as a Variant of Uncertain Significance.